The following is an entry in ClinVar:

NM_000431.4(MVK):c.477dup (p.Val160fs)

Gene: MVK (mevalonate kinase; plus strand). Cytogenetic location: 12q24.11.
Variant type: Duplication.
Coding change: c.477dup on transcript NM_000431.4 (MANE Select); coding-DNA position 477, one base duplicated (T; older notation c.477dupT).
Protein change: p.Val160fs; shifts the reading frame from valine 160.
Molecular consequence: frameshift variant. On other transcripts: 5 prime UTR variant (1), non-coding transcript variant (3), intron variant (2).
Genome position (GRCh38, 1-based): chr12:109,581,500, T duplicated. VCF-style (leftmost placement, unchanged base first): chr12-109581499-C-CT. GRCh37 (hg19) VCF-style: chr12-110019304-C-CT.
Other names: c.477dup, p.Val160fs (NM_001114185.3, NM_001414511.1, NM_001414512.1 and 1 more transcripts); c.-106dup (NM_001414515.1); c.371+1554dup (NM_001414514.1, NM_001301182.2); short protein forms V160fs.
Identifiers: ClinVar variation 5014617 (VCV005014617.1).

ClinVar aggregate classification (germline): Pathogenic (1 of 4 stars; one submission).

Conditions:
Deficiency of mevalonate kinase. Also called: Mevalonate kinase deficiency. Identifiers: Orphanet 309025, MedGen C0342731, MONDO:0017708.

Submission:

Myriad Genetics, Inc.
Classification: Pathogenic for Deficiency of mevalonate kinase. Last evaluated: 2025-06-19. Review status: criteria provided, single submitter. Criteria: Myriad Autosomal Dominant, Autosomal Recessive and X-Linked Classification Criteria (2023). Collection method: clinical testing. Allele origin: unknown.
Comment: NM_000431.2(MVK):c.477dupT(V160Cfs*27) is expected to be pathogenic in the context of mevalonate kinase deficiency. This variant is predicted to lead to an abnormal or absent protein product due to the creation of a premature termination codon in MVK, a gene where loss-of-function variants are known to be pathogenic. Please note: this variant was assessed in the context of healthy population screening.